The following is an entry in ClinVar:

ClinVar aggregate classification (germline): Uncertain significance. Review status: criteria provided, multiple submitters, no conflicts (2 of 4 stars). 2 submissions from 2 submitters: Uncertain significance (2). Last evaluated 2025-10-15.

Conditions:
Pigmentary skin disorders.
Hereditary cancer-predisposing syndrome. Also called: Neoplastic Syndromes, Hereditary; Tumor predisposition; Hereditary neoplastic syndrome; Hereditary Cancer Syndrome. Identifiers: Orphanet 140162, MedGen C0027672, MeSH D009386, MONDO:0015356.
Cardiovascular phenotype. Identifiers: MedGen CN230736.

Submissions (2):

Genetics Laboratory, Great Ormond Street Hospital NHS Foundation Trust, North Thames Genomic Laboratory Hub
Classification: Uncertain significance for Pigmentary skin disorders. Last evaluated: 2025-10-15. Review status: criteria provided, single submitter. Criteria: ACGS Best Practice Guidelines for Variant Classification in Rare Disease 2024 v1.2. Collection method: clinical testing. Allele origin: germline. Affected: yes.
Comment: PS4_supporting, PM2_moderate, PP3_supporting

Ambry Genetics
Classification: Uncertain significance for Cardiovascular phenotype; Hereditary cancer-predisposing syndrome. Last evaluated: 2024-01-10. Review status: criteria provided, single submitter. Criteria: Ambry Variant Classification Scheme 2023. Collection method: clinical testing. Allele origin: germline.
Comment: The p.F1247L variant (also known as c.3741T>A), located in coding exon 28 of the NF1 gene, results from a T to A substitution at nucleotide position 3741. The phenylalanine at codon 1247 is replaced by leucine, an amino acid with highly similar properties. This amino acid position is highly conserved in available vertebrate species. In addition, this alteration is predicted to be deleterious by in silico analysis. Since supporting evidence is limited at this time, the clinical significance of this alteration remains unclear.

NM_001042492.3(NF1):c.3741T>A (p.Phe1247Leu)

Gene: NF1 (neurofibromin 1; plus strand). Cytogenetic location: 17q11.2.
Variant type: single nucleotide variant.
Coding change: c.3741T>A on transcript NM_001042492.3 (MANE Select); coding-DNA position 3741, T replaced by A.
Protein change: p.Phe1247Leu; replaces phenylalanine 1247 with leucine.
Molecular consequence: missense variant.
Genome position (GRCh38, 1-based): chr17:31,235,643, T>A. VCF-style: chr17-31235643-T-A. GRCh37 (hg19) VCF-style: chr17-29562661-T-A.
Other names: c.3741T>A, p.Phe1247Leu (NM_000267.4); short protein forms F1247L.
Identifiers: ClinVar variation 3237752 (VCV003237752.2), dbSNP rs1049357346.
Genomic context (GRCh38, chr17:31,235,643, plus strand): 5'-CACTAACCTGATTTTGTTTTGTTCTCAGGATGAACTAGCTCGAGTTCTGGTTACTCTGTT[T>A]GATTCTCGGCATTTACTCTACCAACTGCTCTGGAACATGTTTTCTAAAGAAGTAGAATTG-3'
Protein context (NP_001035957.1, residues 1237-1257): DELARVLVTL[Phe1247Leu]DSRHLLYQLL